The following is an entry in ClinVar:

NM_032408.4(BAZ1B):c.3216A>G (p.Gly1072=)

Gene: BAZ1B (bromodomain adjacent to zinc finger domain 1B; minus strand). Cytogenetic location: 7q11.23.
Variant type: single nucleotide variant.
Coding change: c.3216A>G on transcript NM_032408.4 (MANE Select); coding-DNA position 3216, A replaced by G.
Protein change: p.Gly1072=; no amino-acid change (glycine 1072 retained).
Molecular consequence: synonymous variant.
Genome position (GRCh38, 1-based): chr7:73,462,955, T>C on the plus strand (A>G on the coding strand, the complement: BAZ1B is on the minus strand). VCF-style: chr7-73462955-T-C. GRCh37 (hg19) VCF-style: chr7-72877285-T-C.
Other names: c.3216A>G, p.Gly1072= (NM_001370402.1).
Identifiers: ClinVar variation 3038157 (VCV003038157.2), dbSNP rs2484807987, ClinGen allele CA455859880.
Genomic context (GRCh38, chr7:73,462,955, plus strand): 5'-CTAAGGGGGATTTTCTTATATTCCTACCCGGGCTTCAAATTCTGATGTTTCTTCCACATA[T>C]CCAAGTCCTCCTTTTTGTAACCTTGTTGCAACTTCAATGAGATCACTACGAAGGAAGTTT-3'
Protein context (NP_115784.1, residues 1062-1082): VATRLQKGGL[Gly1072=]YVEETSEFEA

ClinVar aggregate classification (germline): Uncertain significance (0 of 4 stars; one submission).

Conditions:
BAZ1B-related disorder. Also called: BAZ1B-related condition.

Submission:

PreventionGenetics, part of Exact Sciences
Classification: Uncertain significance for BAZ1B-related condition. Last evaluated: 2024-01-24. Review status: no assertion criteria provided. Collection method: clinical testing. Allele origin: germline.
Comment: The BAZ1B c.3216A>G variant is not predicted to result in an amino acid change (p.=). This variant is predicted to activate a cryptic splice site based on available splicing prediction programs (SpliceAI, Jaganathan K, et al. 2019. PubMed ID: 30661751; Alamut Visual Plus V1.6.1). To our knowledge, this variant has not been reported in the literature or in a large population database, indicating this variant is rare. At this time, the clinical significance of this variant is uncertain due to the absence of conclusive functional and genetic evidence.